The following is an entry in ClinVar:

ClinVar aggregate classification (germline): Uncertain significance. Review status: criteria provided, multiple submitters, no conflicts (2 of 4 stars). 7 submissions from 6 submitters: Uncertain significance (7). Last evaluated 2025-09-25.

Conditions:
RPGRIP1-related disorder. Also called: RPGRIP1-related condition.
Leber congenital amaurosis 6 (LCA6). Identifiers: Orphanet 65, MedGen C1854260, MONDO:0013446, OMIM 613826.
Cone-rod dystrophy 13 (CORD13). Identifiers: Orphanet 1872, MedGen C2750720, MONDO:0011987, OMIM 608194.

Allele frequency attached by ClinVar (database versions not stated): gnomAD exomes 0.00008; ExAC 0.00009; 1000 Genomes Project 30x 0.00016; 1000 Genomes Project 0.00020; ESP Exome Variant Server 0.00025; TOPMed 0.00027; gnomAD 0.00029 and 0.00031.
gnomAD v4.1: 111 of 1,598,578 alleles (0.0069%); highest among the groups gnomAD compares: African/African-American, 0.11%; 1 homozygote.

Submissions (7):

PreventionGenetics, part of Exact Sciences
Classification: Uncertain significance for RPGRIP1-related condition. Last evaluated: 2025-09-25. Review status: criteria provided, single submitter. Criteria: ACMG Guidelines, 2015. Collection method: clinical testing. Allele origin: germline.
Comment: The RPGRIP1 c.2665G>A variant is predicted to result in the amino acid substitution p.Ala889Thr. To our knowledge, this variant has not been reported in the literature. This variant is present in 0.087% of alleles in individuals of African descent in gnomAD, which may be too common to be an unreported cause of disease. Although we suspect that this variant may be benign, at this time, the clinical significance of this variant is uncertain due to the absence of conclusive functional and genetic evidence.

Labcorp Genetics (formerly Invitae), Labcorp
Classification: Uncertain significance for Leber congenital amaurosis 6; Cone-rod dystrophy 13. Last evaluated: 2024-10-29. Review status: criteria provided, single submitter. Criteria: Invitae Variant Classification Sherloc (09022015). Collection method: clinical testing. Allele origin: germline.
Comment: This sequence change replaces alanine, which is neutral and non-polar, with threonine, which is neutral and polar, at codon 889 of the RPGRIP1 protein (p.Ala889Thr). This variant is present in population databases (rs184926375, gnomAD 0.09%). This variant has not been reported in the literature in individuals affected with RPGRIP1-related conditions. ClinVar contains an entry for this variant (Variation ID: 498294). Invitae Evidence Modeling of protein sequence and biophysical properties (such as structural, functional, and spatial information, amino acid conservation, physicochemical variation, residue mobility, and thermodynamic stability) indicates that this missense variant is not expected to disrupt RPGRIP1 protein function with a negative predictive value of 80%. In summary, the available evidence is currently insufficient to determine the role of this variant in disease. Therefore, it has been classified as a Variant of Uncertain Significance.

Blueprint Genetics
Classification: Uncertain significance. Last evaluated: 2023-07-27. Review status: criteria provided, single submitter. Criteria: ACMG Guidelines, 2015. Collection method: clinical testing. Allele origin: germline.

Genome-Nilou Lab
Classification: Uncertain significance for Leber congenital amaurosis 6. Last evaluated: 2021-11-07. Review status: criteria provided, single submitter. Criteria: ACMG Guidelines, 2015. Collection method: clinical testing. Allele origin: germline. Affected: no.

Genome-Nilou Lab
Classification: Uncertain significance for Cone-rod dystrophy 13. Last evaluated: 2021-11-07. Review status: criteria provided, single submitter. Criteria: ACMG Guidelines, 2015. Collection method: clinical testing. Allele origin: germline. Affected: no.

Eurofins Ntd Llc (ga)
Classification: Uncertain significance. Last evaluated: 2016-11-21. Review status: criteria provided, single submitter. Criteria: EGL Classification Definitions 2015. Collection method: clinical testing. Allele origin: germline. Observed: 1 variant allele, 1 heterozygote.

Breakthrough Genomics
Classification: Uncertain significance. Review status: criteria provided, single submitter. Criteria: ACMG Guidelines, 2015. Collection method: not provided. Allele origin: germline. Inheritance: Autosomal recessive inheritance. Affected: yes.

NM_020366.4(RPGRIP1):c.2665G>A (p.Ala889Thr)

Gene: RPGRIP1 (RPGR interacting protein 1; plus strand). Cytogenetic location: 14q11.2.
Variant type: single nucleotide variant.
Coding change: c.2665G>A on transcript NM_020366.4 (MANE Select); coding-DNA position 2665, G replaced by A.
Protein change: p.Ala889Thr; replaces alanine 889 with threonine.
Molecular consequence: missense variant. On other transcripts: intron variant (4).
Genome position (GRCh38, 1-based): chr14:21,326,128, G>A. VCF-style: chr14-21326128-G-A. GRCh37 (hg19) VCF-style: chr14-21794287-G-A.
Other names: c.1591G>A, p.Ala531Thr (NM_001377948.1); c.796+1403G>A (NM_001377949.1); c.689-1495G>A (NM_001377523.1, NM_001377950.1); c.191-1495G>A (NM_001377951.1); short protein forms A889T, A531T.
Identifiers: ClinVar variation 498294 (VCV000498294.17), dbSNP rs184926375, ClinGen allele CA7089316.
Genomic context (GRCh38, chr14:21,326,128, plus strand): 5'-GCCTTGTCTATACATGTTTTTGATGATGAAGACTTAGAGCCTGGCTCGTATCTTGGCCGA[G>A]CCCGAGTGCCTTTACTGCCTCTTGCAAAAAATGAATCTATCAAAGGTGGGAGTTCGAGGT-3'
Protein context (NP_065099.3, residues 879-899): DLEPGSYLGR[Ala889Thr]RVPLLPLAKN